The following is an entry in ClinVar:

NM_001122764.3(PPOX):c.471+3G>A

Gene: PPOX (protoporphyrinogen oxidase; plus strand). Cytogenetic location: 1q23.3.
Variant type: single nucleotide variant.
Coding change: c.471+3G>A on transcript NM_001122764.3 (MANE Select); 3 bases into the intron after coding-DNA position 471, G replaced by A.
Molecular consequence: intron variant.
Genome position (GRCh38, 1-based): chr1:161,168,130, G>A. VCF-style: chr1-161168130-G-A. GRCh37 (hg19) VCF-style: chr1-161137920-G-A.
Other names: p.?; c.-16+3G>A (NM_001350130.2, NM_001365401.1); c.354-283G>A (NM_001350128.2); c.44+3G>A (NM_001350129.2, NM_001365400.1); c.471+3G>A (NM_001365399.1, NM_000309.5, NM_001365398.1); c.-34-283G>A (NM_001350131.2).
Identifiers: ClinVar variation 293251 (VCV000293251.13), dbSNP rs200920978, ClinGen allele CA1207151.

ClinVar aggregate classification (germline): Conflicting classifications of pathogenicity. Review status: criteria provided, conflicting classifications (1 of 4 stars). 4 submissions from 4 submitters: Uncertain significance (3); Likely benign (1). Last evaluated 2026-05-05.

Conditions:
PPOX-related disorder. Also called: PPOX-related condition.

Allele frequency attached by ClinVar (database versions not stated): ESP Exome Variant Server 0.00015; gnomAD 0.00021 and 0.00037; gnomAD exomes 0.00023 and 0.00028; ExAC 0.00025; 1000 Genomes Project 30x 0.00031; TOPMed 0.00037; 1000 Genomes Project 0.00040.
gnomAD v4.1: 463 of 1,614,158 alleles (0.029%); highest among the groups gnomAD compares: Non-Finnish European, 0.035%; 1 homozygote.

Submissions (4):

Women's Health and Genetics/Laboratory Corporation of America, LabCorp
Classification: Uncertain significance. Last evaluated: 2026-05-05. Review status: criteria provided, single submitter. Criteria: LabCorp Variant Classification Summary - May 2015. Collection method: clinical testing. Allele origin: germline.
Comment: Variant summary: PPOX c.471+3G>A alters a conserved nucleotide located close to a canonical splice site and therefore could affect mRNA splicing, leading to a significantly altered protein sequence. Consensus agreement among computation tools predict no significant impact on normal splicing. However, these predictions have yet to be confirmed by functional studies. The variant allele was found at a frequency of 0.00023 in 251246 control chromosomes. This frequency is not significantly higher than estimated for disease-causing variants in PPOX, allowing no conclusion about variant significance. To our knowledge, no occurrence of c.471+3G>A in individuals affected with PPOX-related conditions and no experimental evidence demonstrating its impact on protein function have been reported. ClinVar contains an entry for this variant (Variation ID: 293251). Based on the evidence outlined above, the variant was classified as uncertain significance.

PreventionGenetics, part of Exact Sciences
Classification: Likely benign for PPOX-related condition. Last evaluated: 2025-11-03. Review status: criteria provided, single submitter. Criteria: ACMG Guidelines, 2015. Collection method: clinical testing. Allele origin: germline.
Comment: This variant is classified as likely benign based on ACMG/AMP sequence variant interpretation guidelines (Richards et al. 2015 PMID: 25741868, with internal and published modifications).

Mayo Clinic Laboratories, Mayo Clinic
Classification: Uncertain significance. Last evaluated: 2025-02-21. Review status: criteria provided, single submitter. Criteria: ACMG Guidelines, 2015. Collection method: clinical testing. Allele origin: germline. Observed: 1 variant allele.

Labcorp Genetics (formerly Invitae), Labcorp
Classification: Uncertain significance. Last evaluated: 2025-01-08. Review status: criteria provided, single submitter. Criteria: Invitae Variant Classification Sherloc (09022015). Collection method: clinical testing. Allele origin: germline.
Comment: This sequence change falls in intron 5 of the PPOX gene. It does not directly change the encoded amino acid sequence of the PPOX protein. It affects a nucleotide within the consensus splice site. This variant is present in population databases (rs200920978, gnomAD 0.04%), and has an allele count higher than expected for a pathogenic variant. This variant has not been reported in the literature in individuals affected with PPOX-related conditions. ClinVar contains an entry for this variant (Variation ID: 293251). Variants that disrupt the consensus splice site are a relatively common cause of aberrant splicing (PMID: 17576681, 9536098). Algorithms developed to predict the effect of sequence changes on RNA splicing suggest that this variant is not likely to affect RNA splicing. In summary, the available evidence is currently insufficient to determine the role of this variant in disease. Therefore, it has been classified as a Variant of Uncertain Significance.

Literature cited by the submitters: PubMed 17576681 (cited by Labcorp Genetics (formerly Invitae), Labcorp); PubMed 9536098 (cited by Labcorp Genetics (formerly Invitae), Labcorp).